The following is an entry in ClinVar:

NM_017635.5(KMT5B):c.1183C>T (p.Arg395Ter)

Gene: KMT5B (lysine methyltransferase 5B; minus strand). Cytogenetic location: 11q13.2.
Variant type: single nucleotide variant.
Coding change: c.1183C>T on transcript NM_017635.5 (MANE Select); coding-DNA position 1183, C replaced by T.
Protein change: p.Arg395Ter; replaces arginine 395 with a stop codon.
Molecular consequence: nonsense.
Genome position (GRCh38, 1-based): chr11:68,159,163, G>A on the plus strand (C>T on the coding strand, the complement: KMT5B is on the minus strand). VCF-style: chr11-68159163-G-A. GRCh37 (hg19) VCF-style: chr11-67926630-G-A.
Other names: c.667C>T, p.Arg223Ter (NM_001300907.1, NM_001369428.1, NM_001369429.1 and 4 more transcripts); c.463C>T, p.Arg155Ter (NM_001300908.2); c.1183C>T, p.Arg395Ter (NM_001369426.1); short protein forms R155*, R223*, R395*.
Identifiers: ClinVar variation 2683928 (VCV002683928.2), dbSNP rs2496210221, ClinGen allele CA381595574.

ClinVar aggregate classification (germline): Pathogenic/Likely pathogenic. Review status: criteria provided, multiple submitters, no conflicts (2 of 4 stars). 2 submissions from 2 submitters: Pathogenic (1); Likely pathogenic (1). Last evaluated 2023-12-11.

Conditions:
Intellectual developmental disorder, autosomal dominant 51. Also called: Intellectual disability, autosomal dominant 51; MENTAL RETARDATION, AUTOSOMAL DOMINANT 51. Identifiers: Orphanet 684226, MedGen C4540474, MONDO:0030917, OMIM 617788.

Allele frequency attached by ClinVar (database versions not stated): gnomAD exomes below 0.00001.
gnomAD v4.1: 2 of 1,567,454 alleles (0.00013%); highest among the groups gnomAD compares: Non-Finnish European, 0.00017%; no homozygotes.

Submissions (2):

MVZ Martinsried, Medicover Genetics
Classification: Pathogenic for Intellectual developmental disorder, autosomal dominant 51. Last evaluated: 2023-12-11. Review status: criteria provided, single submitter. Criteria: ACGS Guidelines, 2020. Collection method: clinical testing. Allele origin: de novo. Affected: yes.

Clinical Biomedical Laboratory, Shriners Hospital For Children - Canada
Classification: Likely pathogenic for Intellectual developmental disorder, autosomal dominant 51. Review status: criteria provided, single submitter. Criteria: ACMG Guidelines, 2015. Collection method: clinical testing. Allele origin: germline. Affected: yes.
Comment: This variant is predicted to substitute an arginine residue by a stop codon. This is expected to lead to degradation of the affected transcript and loss of function of the affected allele. Loss of function variants in KMT5B are associated with autosomal dominant intellectual developmental disorder 51, which is in accordance with the clinical diagnosis of the proband. This variant is absent from the Genome Aggregation Database (v2.1.1.), indicating it is very rare. Based on the ACMG variant interpretation guidelines (criteria: PVS1, PM2, PP5), the available evidence supports classification of this variant as likely pathogenic.